The following is an entry in ClinVar:

NM_020964.3(EPG5):c.3384+3G>A

Gene: EPG5 (ectopic P-granules 5 autophagy tethering factor; minus strand). Cytogenetic location: 18q21.1.
Variant type: single nucleotide variant.
Coding change: c.3384+3G>A on transcript NM_020964.3 (MANE Select); 3 bases into the intron after coding-DNA position 3384, G replaced by A.
Molecular consequence: intron variant.
Genome position (GRCh38, 1-based): chr18:45,916,435, C>T on the plus strand (G>A on the coding strand, the complement: EPG5 is on the minus strand). VCF-style: chr18-45916435-C-T. GRCh37 (hg19) VCF-style: chr18-43496400-C-T.
Identifiers: ClinVar variation 1495449 (VCV001495449.4), dbSNP rs1235955647, ClinGen allele CA629923962.
Genomic context (GRCh38, chr18:45,916,435, plus strand): 5'-ACGCTAGAGGTCTTGGTTGGGAAGACAGGCGGGAGTGTGCTTAGGGGCTTGCAAGGCCCT[C>T]ACCTGGATCATGCTGTTGAGAAGCTTCACGTTGTCCCCATGGCTGGCTCCTGTCAGGTGC-3'

ClinVar aggregate classification (germline): Uncertain significance (1 of 4 stars; one submission).

Conditions:
Vici syndrome (VICIS). Identifiers: Orphanet 1493, MedGen C1855772, MONDO:0009452, OMIM 242840.

Allele frequency attached by ClinVar (database versions not stated): gnomAD exomes 0.00001; TOPMed 0.00001.
gnomAD v4.1: 3 of 1,609,092 alleles (0.00019%); highest among the groups gnomAD compares: South Asian, 0.0011%; no homozygotes.

Submission:

Labcorp Genetics (formerly Invitae), Labcorp
Classification: Uncertain significance for Vici syndrome. Last evaluated: 2022-02-08. Review status: criteria provided, single submitter. Criteria: Invitae Variant Classification Sherloc (09022015). Collection method: clinical testing. Allele origin: germline.
Comment: This sequence change falls in intron 18 of the EPG5 gene. It does not directly change the encoded amino acid sequence of the EPG5 protein. It affects a nucleotide within the consensus splice site. This variant is present in population databases (no rsID available, gnomAD 0.003%). This variant has not been reported in the literature in individuals affected with EPG5-related conditions. Variants that disrupt the consensus splice site are a relatively common cause of aberrant splicing (PMID: 17576681, 9536098). Algorithms developed to predict the effect of sequence changes on RNA splicing suggest that this variant is not likely to affect RNA splicing. In summary, the available evidence is currently insufficient to determine the role of this variant in disease. Therefore, it has been classified as a Variant of Uncertain Significance.

Literature cited by the submitters: PubMed 17576681; PubMed 9536098.